The following is an entry in ClinVar:

ClinVar aggregate classification (germline): Uncertain significance (1 of 4 stars; one submission).

Conditions:
Long QT syndrome (LQTS). Identifiers: MedGen C0023976, MeSH D008133, MONDO:0002442. Disease mechanism: loss of function. Inheritance: Various modes of inheritance.

Submission:

Labcorp Genetics (formerly Invitae), Labcorp
Classification: Uncertain significance for Long QT syndrome. Last evaluated: 2023-11-22. Review status: criteria provided, single submitter. Criteria: Invitae Variant Classification Sherloc (09022015). Collection method: clinical testing. Allele origin: germline.
Comment: This sequence change replaces methionine, which is neutral and non-polar, with leucine, which is neutral and non-polar, at codon 2017 of the CACNA1C protein (p.Met2017Leu). This variant is not present in population databases (gnomAD no frequency). This variant has not been reported in the literature in individuals affected with CACNA1C-related conditions. Advanced modeling of protein sequence and biophysical properties (such as structural, functional, and spatial information, amino acid conservation, physicochemical variation, residue mobility, and thermodynamic stability) performed at Invitae indicates that this missense variant is not expected to disrupt CACNA1C protein function with a negative predictive value of 95%. In summary, the available evidence is currently insufficient to determine the role of this variant in disease. Therefore, it has been classified as a Variant of Uncertain Significance.

NM_000719.7(CACNA1C):c.6049A>C (p.Met2017Leu)

Genes: CACNA1C (calcium voltage-gated channel subunit alpha1 C; plus strand), CACNA1C-AS1 (CACNA1C antisense RNA 1; minus strand). Cytogenetic location: 12p13.33.
Variant type: single nucleotide variant.
Coding change: c.6049A>C on transcript NM_000719.7 (MANE Select); coding-DNA position 6049, A replaced by C.
Protein change: p.Met2017Leu; replaces methionine 2017 with leucine.
Molecular consequence: missense variant.
Genome position (GRCh38, 1-based): chr12:2,688,711, A>C. VCF-style: chr12-2688711-A-C. GRCh37 (hg19) VCF-style: chr12-2797877-A-C.
Other names: c.6193A>C, p.Met2065Leu (NM_001129827.2); c.6172A>C, p.Met2058Leu (NM_001129829.2); c.6154A>C, p.Met2052Leu (NM_001129830.3, NM_001167624.3); c.6133A>C, p.Met2045Leu (NM_001129831.2); c.6109A>C, p.Met2037Leu (NM_001129832.2); c.6106A>C, p.Met2036Leu (NM_001129833.2, NM_001129834.2, NM_001129835.2); c.6100A>C, p.Met2034Leu (NM_001129836.2); c.6073A>C, p.Met2025Leu (NM_001129837.2, NM_001129838.2); and 6 more; short protein forms M2023L, M2036L, M2065L, M2077L, M2100L, M2014L, M2017L, M2058L.
Identifiers: ClinVar variation 2762924 (VCV002762924.3), dbSNP rs2534876882, ClinGen allele CA383385268.